The following is an entry in ClinVar:

NM_002529.4(NTRK1):c.394T>C (p.Trp132Arg)

Gene: NTRK1 (neurotrophic receptor tyrosine kinase 1; plus strand). Cytogenetic location: 1q23.1.
Variant type: single nucleotide variant.
Coding change: c.394T>C on transcript NM_002529.4 (MANE Select); coding-DNA position 394, T replaced by C.
Protein change: p.Trp132Arg; replaces tryptophan 132 with arginine.
Molecular consequence: missense variant.
Genome position (GRCh38, 1-based): chr1:156,866,944, T>C. VCF-style: chr1-156866944-T-C. GRCh37 (hg19) VCF-style: chr1-156836736-T-C.
Other names: c.394T>C, p.Trp132Arg (NM_001007204.1, NM_001012331.2); c.304T>C, p.Trp102Arg (NM_001007792.1); short protein forms W132R, W102R.
Identifiers: ClinVar variation 1736432 (VCV001736432.6), dbSNP rs778056858, ClinGen allele CA1168946.

ClinVar aggregate classification (germline): Uncertain significance. Review status: criteria provided, multiple submitters, no conflicts (2 of 4 stars). 3 submissions from 3 submitters: Uncertain significance (3). Last evaluated 2025-08-30.

Conditions:
Inborn genetic diseases. Identifiers: MedGen C0950123, MeSH D030342.
Hereditary insensitivity to pain with anhidrosis (CIPA). Also called: INSENSITIVITY TO PAIN, CONGENITAL, WITH ANHIDROSIS; hereditary sensory and autonomic neuropathy type 4; FAMILIAL DYSAUTONOMIA, TYPE II; NEUROPATHY, CONGENITAL SENSORY, WITH ANHIDROSIS; HSAN Type IV; NTRK1 Congenital Insensitivity to Pain with Anhidrosis. Identifiers: Orphanet 642, MedGen C0020074, MONDO:0009746, OMIM 256800.

Allele frequency attached by ClinVar (database versions not stated): gnomAD 0.00001; ExAC 0.00002; TOPMed 0.00002; gnomAD exomes 0.00003.
gnomAD v4.1: 45 of 1,614,066 alleles (0.0028%); highest among the groups gnomAD compares: Non-Finnish European, 0.0036%; no homozygotes.

Submissions (3):

Ambry Genetics
Classification: Uncertain significance for Inborn genetic diseases. Last evaluated: 2025-08-30. Review status: criteria provided, single submitter. Criteria: Ambry Variant Classification Scheme 2023. Collection method: clinical testing. Allele origin: germline.

Genome-Nilou Lab
Classification: Uncertain significance for Hereditary insensitivity to pain with anhidrosis. Last evaluated: 2023-04-11. Review status: criteria provided, single submitter. Criteria: ACMG Guidelines, 2015. Collection method: clinical testing. Allele origin: germline. Affected: no.

Labcorp Genetics (formerly Invitae), Labcorp
Classification: Uncertain significance for Hereditary insensitivity to pain with anhidrosis. Last evaluated: 2022-09-19. Review status: criteria provided, single submitter. Criteria: Invitae Variant Classification Sherloc (09022015). Collection method: clinical testing. Allele origin: germline.
Comment: This sequence change replaces tryptophan, which is neutral and slightly polar, with arginine, which is basic and polar, at codon 132 of the NTRK1 protein (p.Trp132Arg). This variant is present in population databases (rs778056858, gnomAD 0.002%). This variant has not been reported in the literature in individuals affected with NTRK1-related conditions. Advanced modeling of protein sequence and biophysical properties (such as structural, functional, and spatial information, amino acid conservation, physicochemical variation, residue mobility, and thermodynamic stability) has been performed at Invitae for this missense variant, however the output from this modeling did not meet the statistical confidence thresholds required to predict the impact of this variant on NTRK1 protein function. In summary, the available evidence is currently insufficient to determine the role of this variant in disease. Therefore, it has been classified as a Variant of Uncertain Significance.